The following is an entry in ClinVar:

NM_014425.5(INVS):c.2069-2A>G

Gene: INVS (inversin; plus strand). Cytogenetic location: 9q31.1.
Variant type: single nucleotide variant.
Coding change: c.2069-2A>G on transcript NM_014425.5 (MANE Select); the canonical splice acceptor site of the intron before coding-DNA position 2069, A replaced by G.
Molecular consequence: splice acceptor variant.
Genome position (GRCh38, 1-based): chr9:100,292,324, A>G. VCF-style: chr9-100292324-A-G. GRCh37 (hg19) VCF-style: chr9-103054606-A-G.
Other names: c.1781-2A>G (NM_001318381.2); c.1091-2A>G (NM_001318382.2).
Identifiers: ClinVar variation 4994213 (VCV004994213.1).

ClinVar aggregate classification (germline): Likely pathogenic (1 of 4 stars; one submission).

Conditions:
INVS-related disorder. Also called: INVS-related condition.

Submission:

PreventionGenetics, part of Exact Sciences
Classification: Likely pathogenic for INVS-related condition. Last evaluated: 2026-04-24. Review status: criteria provided, single submitter. Criteria: ACMG Guidelines, 2015. Collection method: clinical testing. Allele origin: germline.
Comment: The INVS c.2069-2A>G variant is predicted to disrupt the AG splice acceptor site and interfere with normal splicing. To our knowledge, this variant has not been reported in the literature or in a large population database (gnomAD), indicating this variant is rare. Variants that disrupt the consensus splice acceptor site in INVS are expected to be pathogenic. This variant is interpreted as likely pathogenic.